The following is an entry in ClinVar:

NM_004385.5(VCAN):c.4882G>A (p.Val1628Ile)

Genes: VCAN (versican; plus strand), VCAN-AS1 (VCAN antisense RNA 1; minus strand). Cytogenetic location: 5q14.3.
Variant type: single nucleotide variant.
Coding change: c.4882G>A on transcript NM_004385.5 (MANE Select); coding-DNA position 4882, G replaced by A.
Protein change: p.Val1628Ile; replaces valine 1628 with isoleucine.
Molecular consequence: missense variant. On other transcripts: intron variant (2).
Genome position (GRCh38, 1-based): chr5:83,537,885, G>A. VCF-style: chr5-83537885-G-A. GRCh37 (hg19) VCF-style: chr5-82833704-G-A.
Other names: c.1921G>A, p.Val641Ile (NM_001164097.2); c.4004-7652G>A (NM_001164098.2); c.1043-7652G>A (NM_001126336.3); short protein forms V1628I, V641I.
Identifiers: ClinVar variation 966251 (VCV000966251.10), dbSNP rs746071223, ClinGen allele CA3333245.

ClinVar aggregate classification (germline): Conflicting classifications of pathogenicity. Review status: criteria provided, conflicting classifications (1 of 4 stars). 2 submissions from 2 submitters: Uncertain significance (1); Likely benign (1). Last evaluated 2025-08-04.

Conditions:
Wagner disease. Also called: WAGNER VITREORETINAL DEGENERATION; WAGNER VITREORETINOPATHY; Wagner Vitreoretinal Degeneration (Wagner Synrdome); WAGNER SYNDROME 1; HYALOIDEORETINAL DEGENERATION OF WAGNER; Wagner syndrome. Identifiers: Orphanet 898, MedGen C1840452, MONDO:0007740, OMIM 143200.

Allele frequency attached by ClinVar (database versions not stated): gnomAD 0.00002 and 0.00003; ExAC 0.00003; TOPMed 0.00003; gnomAD exomes 0.00004.
gnomAD v4.1: 44 of 1,613,874 alleles (0.0027%); highest among the groups gnomAD compares: Middle Eastern, 0.033%; no homozygotes.

Submissions (2):

Labcorp Genetics (formerly Invitae), Labcorp
Classification: Uncertain significance. Last evaluated: 2025-08-04. Review status: criteria provided, single submitter. Criteria: Invitae Variant Classification Sherloc (09022015). Collection method: clinical testing. Allele origin: germline.
Comment: This sequence change replaces valine, which is neutral and non-polar, with isoleucine, which is neutral and non-polar, at codon 1628 of the VCAN protein (p.Val1628Ile). This variant is present in population databases (rs746071223, gnomAD 0.02%). This variant has not been reported in the literature in individuals affected with VCAN-related conditions. ClinVar contains an entry for this variant (Variation ID: 966251). An algorithm developed to predict the effect of missense changes on protein structure and function (PolyPhen-2) suggests that this variant is likely to be tolerated. In summary, the available evidence is currently insufficient to determine the role of this variant in disease. Therefore, it has been classified as a Variant of Uncertain Significance.

Department of Pathology and Laboratory Medicine, Sinai Health System
Classification: Likely benign for Wagner disease. Last evaluated: 2021-11-24. Review status: criteria provided, single submitter. Criteria: ACMG Guidelines, 2015. Collection method: research. Allele origin: germline.